The following is an entry in ClinVar:

ClinVar aggregate classification (germline): Uncertain significance (1 of 4 stars; one submission).

Conditions:
Fanconi anemia (FA). Also called: Fanconi's anemia. Identifiers: Orphanet 84, MedGen C0015625, MeSH D005199, MONDO:0019391.

Submission:

Labcorp Genetics (formerly Invitae), Labcorp
Classification: Uncertain significance for Fanconi anemia. Last evaluated: 2024-08-31. Review status: criteria provided, single submitter. Criteria: Invitae Variant Classification Sherloc (09022015). Collection method: clinical testing. Allele origin: germline.
Comment: This sequence change replaces glutamic acid, which is acidic and polar, with valine, which is neutral and non-polar, at codon 923 of the FANCA protein (p.Glu923Val). This variant is not present in population databases (gnomAD no frequency). This variant has not been reported in the literature in individuals affected with FANCA-related conditions. ClinVar contains an entry for this variant (Variation ID: 2153801). Invitae Evidence Modeling of protein sequence and biophysical properties (such as structural, functional, and spatial information, amino acid conservation, physicochemical variation, residue mobility, and thermodynamic stability) indicates that this missense variant is not expected to disrupt FANCA protein function with a negative predictive value of 80%. Algorithms developed to predict the effect of sequence changes on RNA splicing suggest that this variant may disrupt the consensus splice site. In summary, the available evidence is currently insufficient to determine the role of this variant in disease. Therefore, it has been classified as a Variant of Uncertain Significance.

NM_000135.4(FANCA):c.2768A>T (p.Glu923Val)

Gene: FANCA (FA complementation group A; minus strand). Cytogenetic location: 16q24.3.
Variant type: single nucleotide variant.
Coding change: c.2768A>T on transcript NM_000135.4 (MANE Select); coding-DNA position 2768, A replaced by T.
Protein change: p.Glu923Val; replaces glutamic acid 923 with valine.
Molecular consequence: missense variant.
Genome position (GRCh38, 1-based): chr16:89,764,900, T>A on the plus strand (A>T on the coding strand, the complement: FANCA is on the minus strand). VCF-style: chr16-89764900-T-A. GRCh37 (hg19) VCF-style: chr16-89831308-T-A.
Other names: c.2768A>T, p.Glu923Val (NM_001286167.3); short protein forms E923V.
Identifiers: ClinVar variation 2153801 (VCV002153801.3), dbSNP rs769776712, ClinGen allele CA286555314.
Genomic context (GRCh38, chr16:89,764,900, plus strand): 5'-ACCCTAGACTCAGGACGTGGCATGATGCAGGAGAAGGAACGGTCACCTACGTGAACATCT[T>A]CCTCTTTCAACACCTCTCGGAAGGTTCTGTGTGTCCAGAGAGAGAGGGCAGCTCTCTGCC-3'
Protein context (NP_000126.2, residues 913-933): HRTFREVLKE[Glu923Val]DVHLTYQDWL